The following is an entry in ClinVar:

ClinVar aggregate classification (germline): Uncertain significance (1 of 4 stars; one submission).

Allele frequency attached by ClinVar (database versions not stated): TOPMed 0.00002; gnomAD 0.00003; ExAC 0.00006.
gnomAD v4.1: 13 of 1,536,050 alleles (0.00085%); highest among the groups gnomAD compares: Admixed American, 0.0039%; no homozygotes.

Submission:

Labcorp Genetics (formerly Invitae), Labcorp
Classification: Uncertain significance. Last evaluated: 2023-11-19. Review status: criteria provided, single submitter. Criteria: Invitae Variant Classification Sherloc (09022015). Collection method: clinical testing. Allele origin: germline.
Comment: This sequence change replaces arginine, which is basic and polar, with glutamine, which is neutral and polar, at codon 111 of the GCGR protein (p.Arg111Gln). This variant is present in population databases (rs28522411, gnomAD 0.004%). This variant has not been reported in the literature in individuals affected with GCGR-related conditions. Algorithms developed to predict the effect of missense changes on protein structure and function output the following: SIFT: "Not Available"; PolyPhen-2: "Benign"; Align-GVGD: "Not Available". The glutamine amino acid residue is found in multiple mammalian species, which suggests that this missense change does not adversely affect protein function. In summary, the available evidence is currently insufficient to determine the role of this variant in disease. Therefore, it has been classified as a Variant of Uncertain Significance.

NM_000160.5(GCGR):c.332G>A (p.Arg111Gln)

Gene: GCGR (glucagon receptor; plus strand). Cytogenetic location: 17q25.3.
Variant type: single nucleotide variant.
Coding change: c.332G>A on transcript NM_000160.5 (MANE Select); coding-DNA position 332, G replaced by A.
Protein change: p.Arg111Gln; replaces arginine 111 with glutamine.
Molecular consequence: missense variant.
Genome position (GRCh38, 1-based): chr17:81,811,070, G>A. VCF-style: chr17-81811070-G-A. GRCh37 (hg19) VCF-style: chr17-79768946-G-A.
Other names: short protein forms R111Q.
Identifiers: ClinVar variation 2792253 (VCV002792253.3), dbSNP rs28522411, ClinGen allele CA8842046.